The following is an entry in ClinVar:

ClinVar aggregate classification (germline): Conflicting classifications of pathogenicity. Review status: criteria provided, conflicting classifications (1 of 4 stars). 2 submissions from 2 submitters: Uncertain significance (1); Likely benign (1). Last evaluated 2025-07-29.

Conditions:
Hereditary breast ovarian cancer syndrome. Also called: Hereditary breast and ovarian cancer syndrome (HBOC); Hereditary breast and ovarian cancer syndrome; Breast and ovarian cancer; Hereditary breast and/or ovarian cancer syndrome; Hereditary breast and ovarian cancer; BRCA1- and BRCA2-Associated Hereditary Breast and Ovarian Cancer. Identifiers: Orphanet 145, MedGen C0677776, MeSH D061325, MONDO:0003582. Disease mechanism: loss of function.
Hereditary cancer-predisposing syndrome. Also called: Hereditary neoplastic syndrome; Neoplastic Syndromes, Hereditary; Hereditary Cancer Syndrome; Tumor predisposition. Identifiers: Orphanet 140162, MedGen C0027672, MeSH D009386, MONDO:0015356.

Submissions (2):

Ambry Genetics
Classification: Likely benign for Hereditary cancer-predisposing syndrome. Last evaluated: 2025-07-29. Review status: criteria provided, single submitter. Criteria: Ambry Variant Classification Scheme 2023. Collection method: clinical testing. Allele origin: germline.

Labcorp Genetics (formerly Invitae), Labcorp
Classification: Uncertain significance for Hereditary breast ovarian cancer syndrome. Last evaluated: 2023-07-17. Review status: criteria provided, single submitter. Criteria: Invitae Variant Classification Sherloc (09022015). Collection method: clinical testing. Allele origin: germline.
Comment: In summary, the available evidence is currently insufficient to determine the role of this variant in disease. Therefore, it has been classified as a Variant of Uncertain Significance. This sequence change replaces leucine, which is neutral and non-polar, with phenylalanine, which is neutral and non-polar, at codon 139 of the BRCA2 protein (p.Leu139Phe). This variant is not present in population databases (gnomAD no frequency). This variant has not been reported in the literature in individuals affected with BRCA2-related conditions. ClinVar contains an entry for this variant (Variation ID: 531200). Advanced modeling of protein sequence and biophysical properties (such as structural, functional, and spatial information, amino acid conservation, physicochemical variation, residue mobility, and thermodynamic stability) performed at Invitae indicates that this missense variant is not expected to disrupt BRCA2 protein function.

NM_000059.4(BRCA2):c.415C>T (p.Leu139Phe)

Gene: BRCA2 (BRCA2 DNA repair associated; plus strand). Cytogenetic location: 13q13.1.
Variant type: single nucleotide variant.
Coding change: c.415C>T on transcript NM_000059.4 (MANE Select); coding-DNA position 415, C replaced by T.
Protein change: p.Leu139Phe; replaces leucine 139 with phenylalanine.
Molecular consequence: missense variant.
Genome position (GRCh38, 1-based): chr13:32,325,174, C>T. VCF-style: chr13-32325174-C-T. GRCh37 (hg19) VCF-style: chr13-32899311-C-T.
Other names: short protein forms L139F.
Identifiers: ClinVar variation 531200 (VCV000531200.14), dbSNP rs1555280870, ClinGen allele CA387756761.